The following is an entry in ClinVar:

ClinVar aggregate classification (germline): Uncertain significance. Review status: criteria provided, multiple submitters, no conflicts (2 of 4 stars). 2 submissions from 2 submitters: Uncertain significance (2). Last evaluated 2025-08-04.

Conditions:
Inborn genetic diseases. Identifiers: MedGen C0950123, MeSH D030342.

Allele frequency attached by ClinVar (database versions not stated): gnomAD 0.00001; ExAC 0.00006; 1000 Genomes Project 30x 0.00016.
gnomAD v4.1: 17 of 1,580,678 alleles (0.0011%); highest among the groups gnomAD compares: South Asian, 0.015%; no homozygotes.

Submissions (2):

Ambry Genetics
Classification: Uncertain significance for Inborn genetic diseases. Last evaluated: 2025-08-04. Review status: criteria provided, single submitter. Criteria: Ambry Variant Classification Scheme 2023. Collection method: clinical testing. Allele origin: germline.

Labcorp Genetics (formerly Invitae), Labcorp
Classification: Uncertain significance. Last evaluated: 2022-03-13. Review status: criteria provided, single submitter. Criteria: Invitae Variant Classification Sherloc (09022015). Collection method: clinical testing. Allele origin: germline.
Comment: This sequence change replaces leucine, which is neutral and non-polar, with phenylalanine, which is neutral and non-polar, at codon 2037 of the DOCK6 protein (p.Leu2037Phe). The frequency data for this variant in the population databases is considered unreliable, as metrics indicate poor data quality at this position in the gnomAD database. This variant has not been reported in the literature in individuals affected with DOCK6-related conditions. Algorithms developed to predict the effect of missense changes on protein structure and function (SIFT, PolyPhen-2, Align-GVGD) all suggest that this variant is likely to be tolerated. In summary, the available evidence is currently insufficient to determine the role of this variant in disease. Therefore, it has been classified as a Variant of Uncertain Significance.

NM_020812.4(DOCK6):c.6111G>T (p.Leu2037Phe)

Gene: DOCK6 (dedicator of cytokinesis 6; minus strand). Cytogenetic location: 19p13.2.
Variant type: single nucleotide variant.
Coding change: c.6111G>T on transcript NM_020812.4 (MANE Select); coding-DNA position 6111, G replaced by T.
Protein change: p.Leu2037Phe; replaces leucine 2037 with phenylalanine.
Molecular consequence: missense variant.
Genome position (GRCh38, 1-based): chr19:11,199,530, C>A on the plus strand (G>T on the coding strand, the complement: DOCK6 is on the minus strand). VCF-style: chr19-11199530-C-A. GRCh37 (hg19) VCF-style: chr19-11310206-C-A.
Other names: c.6216G>T, p.Leu2072Phe (NM_001367830.1); short protein forms L2072F, L2037F.
Identifiers: ClinVar variation 1904196 (VCV001904196.4), dbSNP rs779954240, ClinGen allele CA9206230.